The following is an entry in ClinVar:

ClinVar aggregate classification (germline): Benign. Review status: criteria provided, multiple submitters, no conflicts (2 of 4 stars). 4 submissions from 4 submitters: Benign (4). Last evaluated 2026-02-02.

Conditions:
Immunodeficiency 104. Also called: Severe combined immunodeficiency, autosomal recessive, T cell-negative, B cell-positive, NK cell-positive; IMMUNODEFICIENCY 104, SEVERE COMBINED; Severe Combined Immune Deficiency, Autosomal Recessive, TCell -Negative, B Cell-Positive, NK Cell-Positive, IL7R-Related; SCID, AUTOSOMAL RECESSIVE, T CELL-NEGATIVE, B CELL-POSITIVE, NK CELL-POSITIVE. Identifiers: MedGen C5676890, MONDO:0012163, OMIM 608971.

Allele frequency attached by ClinVar (database versions not stated): gnomAD exomes 0.00180 and 0.00483; ExAC 0.00611; gnomAD 0.01812 and 0.01953; TOPMed 0.02009; ESP Exome Variant Server 0.02107; 1000 Genomes Project 0.02157; 1000 Genomes Project 30x 0.02264.
gnomAD v4.1: 5,477 of 1,613,454 alleles (0.34%); highest among the groups gnomAD compares: African/African-American, 6.3%; 147 homozygotes.

Submissions (4):

Labcorp Genetics (formerly Invitae), Labcorp
Classification: Benign for Immunodeficiency 104. Last evaluated: 2026-02-02. Review status: criteria provided, single submitter. Criteria: Invitae Variant Classification Sherloc (09022015). Collection method: clinical testing. Allele origin: germline.

Women's Health and Genetics/Laboratory Corporation of America, LabCorp
Classification: Benign. Last evaluated: 2026-01-22. Review status: criteria provided, single submitter. Criteria: LabCorp Variant Classification Summary - May 2015. Collection method: clinical testing. Allele origin: germline.

GeneDx
Classification: Benign. Last evaluated: 2016-03-03. Review status: criteria provided, single submitter. Criteria: GeneDx Variant Classification (06012015). Collection method: clinical testing. Allele origin: germline. Affected: yes.
Comment: This variant is considered likely benign or benign based on one or more of the following criteria: it is a conservative change, it occurs at a poorly conserved position in the protein, it is predicted to be benign by multiple in silico algorithms, and/or has population frequency not consistent with disease.

Breakthrough Genomics
Classification: Benign. Review status: criteria provided, single submitter. Criteria: ACMG Guidelines, 2015. Collection method: not provided. Allele origin: germline. Inheritance: Autosomal recessive inheritance. Affected: yes.

NM_002838.5(PTPRC):c.3780T>C (p.Asn1260=)

Gene: PTPRC (protein tyrosine phosphatase receptor type C; plus strand). Cytogenetic location: 1q32.1.
Variant type: single nucleotide variant.
Coding change: c.3780T>C on transcript NM_002838.5 (MANE Select); coding-DNA position 3780, T replaced by C.
Protein change: p.Asn1260=; no amino-acid change (asparagine 1260 retained).
Molecular consequence: synonymous variant.
Genome position (GRCh38, 1-based): chr1:198,756,040, T>C. VCF-style: chr1-198756040-T-C. GRCh37 (hg19) VCF-style: chr1-198725169-T-C.
Other names: c.3297T>C, p.Asn1099= (NM_080921.4).
Identifiers: ClinVar variation 378448 (VCV000378448.14), dbSNP rs1058191, ClinGen allele CA1315558.